The following is an entry in ClinVar:

ClinVar aggregate classification (germline): Uncertain significance (1 of 4 stars; one submission).

Allele frequency attached by ClinVar (database versions not stated): gnomAD exomes below 0.00001.
gnomAD v4.1: 1 of 1,613,018 alleles (0.000062%); highest among the groups gnomAD compares: East Asian, 0.0022%; no homozygotes.

Submission:

Labcorp Genetics (formerly Invitae), Labcorp
Classification: Uncertain significance. Last evaluated: 2021-10-28. Review status: criteria provided, single submitter. Criteria: Invitae Variant Classification Sherloc (09022015). Collection method: clinical testing. Allele origin: germline.
Comment: This variant has not been reported in the literature in individuals affected with SLC1A2-related conditions. Algorithms developed to predict the effect of missense changes on protein structure and function (SIFT, PolyPhen-2, Align-GVGD) all suggest that this variant is likely to be tolerated. In summary, the available evidence is currently insufficient to determine the role of this variant in disease. Therefore, it has been classified as a Variant of Uncertain Significance. This sequence change replaces glycine, which is neutral and non-polar, with alanine, which is neutral and non-polar, at codon 422 of the SLC1A2 protein (p.Gly422Ala). This variant is not present in population databases (gnomAD no frequency).

NM_004171.4(SLC1A2):c.1265G>C (p.Gly422Ala)

Gene: SLC1A2 (solute carrier family 1 member 2; minus strand). Cytogenetic location: 11p13.
Variant type: single nucleotide variant.
Coding change: c.1265G>C on transcript NM_004171.4 (MANE Select); coding-DNA position 1265, G replaced by C.
Protein change: p.Gly422Ala; replaces glycine 422 with alanine.
Molecular consequence: missense variant.
Genome position (GRCh38, 1-based): chr11:35,286,778, C>G on the plus strand (G>C on the coding strand, the complement: SLC1A2 is on the minus strand). VCF-style: chr11-35286778-C-G. GRCh37 (hg19) VCF-style: chr11-35308325-C-G.
Other names: c.1238G>C, p.Gly413Ala (NM_001195728.3, NM_001252652.2); short protein forms G422A, G413A.
Identifiers: ClinVar variation 1469798 (VCV001469798.6), dbSNP rs2134717681, ClinGen allele CA380122557.
Genomic context (GRCh38, chr11:35,286,778, plus strand): 5'-GGGTAGAGGTTGTTTTGTGTTTTACCCCACCCTTCTCACCTTACAGTCACAATCTGTCCT[C>G]CATCCAGGACAACACCATTCATTTGGGCTATAAAGATGGCGGCTACCGCTTCATAAAGGG-3'
Protein context (NP_004162.2, residues 412-432): IAQMNGVVLD[Gly422Ala]GQIVTVSLTA